The following is an entry in ClinVar:

NM_000179.3(MSH6):c.3349T>C (p.Cys1117Arg)

Gene: MSH6 (mutS homolog 6; plus strand). Cytogenetic location: 2p16.3.
Variant type: single nucleotide variant.
Coding change: c.3349T>C on transcript NM_000179.3 (MANE Select); coding-DNA position 3349, T replaced by C.
Protein change: p.Cys1117Arg; replaces cysteine 1117 with arginine.
Molecular consequence: missense variant.
Genome position (GRCh38, 1-based): chr2:47,803,596, T>C. VCF-style: chr2-47803596-T-C. GRCh37 (hg19) VCF-style: chr2-48030735-T-C.
Other names: c.2959T>C, p.Cys987Arg (NM_001281492.2); c.2443T>C, p.Cys815Arg (NM_001281493.2, NM_001281494.2); short protein forms C1117R, C815R, C987R.
Identifiers: ClinVar variation 186280 (VCV000186280.20), dbSNP rs786202829, ClinGen allele CA012661.

ClinVar aggregate classification (germline): Conflicting classifications of pathogenicity. Review status: criteria provided, conflicting classifications (1 of 4 stars). 6 submissions from 6 submitters: Uncertain significance (5); Likely benign (1). Last evaluated 2025-12-09.

Conditions:
Mismatch repair cancer syndrome 3. Identifiers: MedGen C5436807, MONDO:0030841, OMIM 619097.
Endometrial carcinoma. Also called: Endometrial carcinoma, somatic. Identifiers: MedGen C0476089, MONDO:0002447, OMIM 608089, HP:0012114.
Lynch syndrome 5 (LYNCH5). Also called: Colorectal cancer, hereditary nonpolyposis, type 5; Hereditary non-polyposis colorectal cancer, type 5. Identifiers: Orphanet 144, MedGen C1833477, MONDO:0013710, OMIM 614350. Disease mechanism: loss of function.
Hereditary nonpolyposis colorectal neoplasms. Identifiers: MedGen C0009405, MeSH D003123.
Hereditary cancer-predisposing syndrome. Also called: Neoplastic Syndromes, Hereditary; Tumor predisposition; Hereditary Cancer Syndrome; Hereditary neoplastic syndrome. Identifiers: Orphanet 140162, MedGen C0027672, MeSH D009386, MONDO:0015356.

Allele frequency attached by ClinVar (database versions not stated): gnomAD exomes below 0.00001; gnomAD 0.00001; TOPMed 0.00001.
gnomAD v4.1: 2 of 1,614,076 alleles (0.00012%); highest among the groups gnomAD compares: African/African-American, 0.0013%; no homozygotes.

Submissions (6):

Labcorp Genetics (formerly Invitae), Labcorp
Classification: Likely benign for Hereditary nonpolyposis colorectal neoplasms. Last evaluated: 2025-12-09. Review status: criteria provided, single submitter. Criteria: Invitae Variant Classification Sherloc (09022015). Collection method: clinical testing. Allele origin: germline.

GeneDx
Classification: Uncertain significance. Last evaluated: 2024-10-09. Review status: criteria provided, single submitter. Criteria: GeneDx Variant Classification Process June 2021. Collection method: clinical testing. Allele origin: germline. Affected: yes.
Comment: In silico analysis supports that this missense variant has a deleterious effect on protein structure/function; Not observed at significant frequency in large population cohorts (gnomAD); This variant is associated with the following publications: (PMID: 17531815, 21120944, 31159747, 35449176)

Color Diagnostics, LLC DBA Color Health
Classification: Uncertain significance for Hereditary cancer-predisposing syndrome. Last evaluated: 2024-09-03. Review status: criteria provided, single submitter. Criteria: ACMG Guidelines, 2015. Collection method: clinical testing. Allele origin: germline.
Comment: This missense variant replaces cysteine with arginine at codon 1117 of the MSH6 protein. Computational prediction is inconclusive regarding the impact of this variant on protein structure and function (internally defined REVEL score threshold 0.5 < inconclusive < 0.7, PMID: 27666373). To our knowledge, functional studies have not been reported for this variant. This variant has not been reported in individuals affected with MSH6-related disorders in the literature. This variant has been identified in 1/251380 chromosomes in the general population by the Genome Aggregation Database (gnomAD). The available evidence is insufficient to determine the role of this variant in disease conclusively. Therefore, this variant is classified as a Variant of Uncertain Significance.

Fulgent Genetics
Classification: Uncertain significance for Endometrial carcinoma; Lynch syndrome 5; Mismatch repair cancer syndrome 3. Last evaluated: 2024-05-06. Review status: criteria provided, single submitter. Criteria: ACMG Guidelines, 2015. Collection method: clinical testing. Allele origin: germline.

Ambry Genetics
Classification: Uncertain significance for Hereditary cancer-predisposing syndrome. Last evaluated: 2024-03-06. Review status: criteria provided, single submitter. Criteria: Ambry Variant Classification Scheme 2023. Collection method: clinical testing. Allele origin: germline.
Comment: The p.C1117R variant (also known as c.3349T>C), located in coding exon 5 of the MSH6 gene, results from a T to C substitution at nucleotide position 3349. The cysteine at codon 1117 is replaced by arginine, an amino acid with highly dissimilar properties. This alteration has been reported as variant of uncertain significance in 1/1197 individuals from Greece, Romania, and Turkey undergoing evaluation for inherited cancer predisposition. (Tsaousis GN et al. BMC Cancer, 2019 Jun;19:535). This amino acid position is well conserved in available vertebrate species. In addition, the in silico prediction for this alteration is inconclusive. Since supporting evidence is limited at this time, the clinical significance of this alteration remains unclear.

GeneKor MSA
Classification: Uncertain significance for Hereditary cancer-predisposing syndrome. Last evaluated: 2018-08-01. Review status: criteria provided, single submitter. Criteria: ACMG Guidelines, 2015. Collection method: clinical testing. Allele origin: germline. Affected: no.

Literature cited by the submitters: PubMed 31159747 (cited by Ambry Genetics).